The following is an entry in ClinVar:

ClinVar aggregate classification (germline): Conflicting classifications of pathogenicity. Review status: criteria provided, conflicting classifications (1 of 4 stars). 2 submissions from 2 submitters: Uncertain significance (1); Likely benign (1). Last evaluated 2026-02-01.

Conditions:
Hypertrophic cardiomyopathy. Also called: HYPERTROPHIC MYOCARDIOPATHY. Identifiers: Orphanet 217569, MedGen C0007194, MeSH D002312, MONDO:0005045, HP:0001639.

Allele frequency attached by ClinVar (database versions not stated): gnomAD 0.00001 and 0.00009; TOPMed 0.00004; gnomAD exomes 0.00010 and 0.00018; ExAC 0.00024; 1000 Genomes Project 0.00080; 1000 Genomes Project 30x 0.00094.
gnomAD v4.1: 156 of 1,611,492 alleles (0.0097%); highest among the groups gnomAD compares: South Asian, 0.13%; no homozygotes.

Submissions (2):

Labcorp Genetics (formerly Invitae), Labcorp
Classification: Likely benign for Hypertrophic cardiomyopathy. Last evaluated: 2026-02-01. Review status: criteria provided, single submitter. Criteria: Invitae Variant Classification Sherloc (09022015). Collection method: clinical testing. Allele origin: germline.

Ambry Genetics
Classification: Uncertain significance. Last evaluated: 2024-02-01. Review status: criteria provided, single submitter. Criteria: Ambry Variant Classification Scheme 2023. Collection method: clinical testing. Allele origin: germline.
Comment: The p.T466M variant (also known as c.1397C>T), located in coding exon 9 of the MYOM1 gene, results from a C to T substitution at nucleotide position 1397. The threonine at codon 466 is replaced by methionine, an amino acid with similar properties. This amino acid position is conserved. In addition, the in silico prediction for this alteration is inconclusive. Based on the available evidence, the clinical significance of this alteration remains unclear.

NM_003803.4(MYOM1):c.1397C>T (p.Thr466Met)

Gene: MYOM1 (myomesin 1; minus strand). Cytogenetic location: 18p11.31.
Variant type: single nucleotide variant.
Coding change: c.1397C>T on transcript NM_003803.4 (MANE Select); coding-DNA position 1397, C replaced by T.
Protein change: p.Thr466Met; replaces threonine 466 with methionine.
Molecular consequence: missense variant.
Genome position (GRCh38, 1-based): chr18:3,164,382, G>A on the plus strand (C>T on the coding strand, the complement: MYOM1 is on the minus strand). VCF-style: chr18-3164382-G-A. GRCh37 (hg19) VCF-style: chr18-3164380-G-A.
Other names: c.1397C>T, p.Thr466Met (NM_019856.2); short protein forms T466M.
Identifiers: ClinVar variation 525127 (VCV000525127.12), dbSNP rs561012778, ClinGen allele CA8874957.